The following is an entry in ClinVar:

NM_005633.4(SOS1):c.245T>C (p.Ile82Thr)

Gene: SOS1 (SOS Ras/Rac guanine nucleotide exchange factor 1; minus strand). Cytogenetic location: 2p22.1.
Variant type: single nucleotide variant.
Coding change: c.245T>C on transcript NM_005633.4 (MANE Select); coding-DNA position 245, T replaced by C.
Protein change: p.Ile82Thr; replaces isoleucine 82 with threonine.
Molecular consequence: missense variant.
Genome position (GRCh38, 1-based): chr2:39,058,773, A>G on the plus strand (T>C on the coding strand, the complement: SOS1 is on the minus strand). VCF-style: chr2-39058773-A-G. GRCh37 (hg19) VCF-style: chr2-39285914-A-G.
Other names: c.224T>C, p.Ile75Thr (NM_001382394.1); c.245T>C, p.Ile82Thr (NM_001382395.1); short protein forms I82T, I75T.
Identifiers: ClinVar variation 2147627 (VCV002147627.4), dbSNP rs1278714177, ClinGen allele CA346373997.

ClinVar aggregate classification (germline): Uncertain significance (1 of 4 stars; one submission).

Conditions:
RASopathy. Also called: rasopathies; Noonan spectrum disorder. Identifiers: Orphanet 536391, MedGen C5555857, MONDO:0021060.

Allele frequency attached by ClinVar (database versions not stated): gnomAD exomes below 0.00001; gnomAD 0.00001; TOPMed 0.00001.

Submission:

Labcorp Genetics (formerly Invitae), Labcorp
Classification: Uncertain significance for RASopathy. Last evaluated: 2025-09-04. Review status: criteria provided, single submitter. Criteria: Invitae Variant Classification Sherloc (09022015). Collection method: clinical testing. Allele origin: germline.
Comment: This sequence change replaces isoleucine, which is neutral and non-polar, with threonine, which is neutral and polar, at codon 82 of the SOS1 protein (p.Ile82Thr). This variant is present in population databases (no rsID available, gnomAD 0.0009%). This variant has not been reported in the literature in individuals affected with SOS1-related conditions. ClinVar contains an entry for this variant (Variation ID: 2147627). Invitae Evidence Modeling of protein sequence and biophysical properties (such as structural, functional, and spatial information, amino acid conservation, physicochemical variation, residue mobility, and thermodynamic stability) indicates that this missense variant is expected to disrupt SOS1 protein function with a positive predictive value of 95%. In summary, the available evidence is currently insufficient to determine the role of this variant in disease. Therefore, it has been classified as a Variant of Uncertain Significance.